The following is an entry in ClinVar:

NM_000631.5(NCF4):c.478G>A (p.Val160Met)

Gene: NCF4 (neutrophil cytosolic factor 4; plus strand). Cytogenetic location: 22q12.3.
Variant type: single nucleotide variant.
Coding change: c.478G>A on transcript NM_000631.5 (MANE Select); coding-DNA position 478, G replaced by A.
Protein change: p.Val160Met; replaces valine 160 with methionine.
Molecular consequence: missense variant.
Genome position (GRCh38, 1-based): chr22:36,871,659, G>A. VCF-style: chr22-36871659-G-A. GRCh37 (hg19) VCF-style: chr22-37267701-G-A.
Other names: c.478G>A, p.Val160Met (NM_013416.4); short protein forms V160M.
Identifiers: ClinVar variation 341554 (VCV000341554.60), dbSNP rs150103256, ClinGen allele CA10213024.
Genomic context (GRCh38, chr22:36,871,659, plus strand): 5'-GCTGGGCCCTGAGAGAATCACAGGGCTAACAAGCCCCTCTTCTCTCTCCACAGCAAGAGC[G>A]TGTCCCCACAGGGCAACAGCGTTGACCGCATGGCAGCTCCGAGAGCAGAGGTAACCCCCG-3'
Protein context (NP_000622.2, residues 150-170): LRPRTRKVKS[Val160Met]SPQGNSVDRM

ClinVar aggregate classification (germline): Benign/Likely benign. Review status: criteria provided, multiple submitters, no conflicts (2 of 4 stars). 8 submissions from 8 submitters: Benign (1); Likely benign (4). 3 of the submissions do not count toward it. Last evaluated 2026-02-02.

Conditions:
NCF4-related disorder. Also called: NCF4-related condition.
Granulomatous disease, chronic, autosomal recessive, cytochrome b-positive, type 3. Also called: CGD, AUTOSOMAL RECESSIVE CYTOCHROME b-POSITIVE, TYPE III; Granulomatous disease, chronic, autosomal recessive, cytochrome b-positive, type III; GRANULOMATOUS DISEASE, CHRONIC, DUE TO NCF4 DEFICIENCY; GRANULOMATOUS DISEASE, CHRONIC, AUTOSOMAL RECESSIVE, 3. Identifiers: Orphanet 379, MedGen C3151409, MONDO:0013507, OMIM 613960.

Allele frequency attached by ClinVar (database versions not stated): ESP Exome Variant Server 0.00085; gnomAD 0.00093 and 0.00121; TOPMed 0.00095; 1000 Genomes Project 30x 0.00125; 1000 Genomes Project 0.00140.
gnomAD v4.1: 1,774 of 1,570,010 alleles (0.11%); highest among the groups gnomAD compares: South Asian, 0.7%; 11 homozygotes.

Submissions (8):

Labcorp Genetics (formerly Invitae), Labcorp
Classification: Benign for Granulomatous disease, chronic, autosomal recessive, cytochrome b-positive, type 3. Last evaluated: 2026-02-02. Review status: criteria provided, single submitter. Criteria: Invitae Variant Classification Sherloc (09022015). Collection method: clinical testing. Allele origin: germline.

Blueprint Genetics
Classification: Likely benign. Last evaluated: 2024-11-13. Review status: criteria provided, single submitter. Criteria: ACMG Guidelines, 2015. Collection method: clinical testing. Allele origin: germline.

CeGaT Center for Human Genetics Tuebingen
Classification: Likely benign. Last evaluated: 2021-08-01. Review status: criteria provided, single submitter. Criteria: CeGaT Center For Human Genetics Tuebingen Variant Classification Criteria Version 2. Collection method: clinical testing. Allele origin: germline. Affected: yes. Observed: 3 variant alleles.

Eurofins Ntd Llc (ga)
Classification: Likely benign. Last evaluated: 2017-05-26. Review status: criteria provided, single submitter. Criteria: EGL Classification Definitions 2015. Collection method: clinical testing. Allele origin: germline. Observed: 3 variant alleles, 3 heterozygotes.

Breakthrough Genomics
Classification: Likely benign. Review status: criteria provided, single submitter. Criteria: ACMG Guidelines, 2015. Collection method: not provided. Allele origin: germline. Inheritance: Autosomal recessive inheritance. Affected: yes.

PreventionGenetics, part of Exact Sciences
Classification: Likely benign for NCF4-related condition. Last evaluated: 2020-05-26. Review status: no assertion criteria provided. Collection method: clinical testing. Allele origin: germline. Not counted in ClinVar's aggregate classification.
Comment: This variant is classified as likely benign based on ACMG/AMP sequence variant interpretation guidelines (Richards et al. 2015 PMID: 25741868, with internal and published modifications).

Clinical Genetics DNA and cytogenetics Diagnostics Lab, Erasmus MC, Erasmus Medical Center
Classification: Benign. Review status: no assertion criteria provided. Collection method: clinical testing. Allele origin: germline. Affected: yes. Study: VKGL Data-share Consensus. Not counted in ClinVar's aggregate classification.

Genome Diagnostics Laboratory, University Medical Center Utrecht
Classification: Benign. Review status: no assertion criteria provided. Collection method: clinical testing. Allele origin: germline. Affected: yes. Study: VKGL Data-share Consensus. Not counted in ClinVar's aggregate classification.